The following is an entry in ClinVar:

NM_001267550.2(TTN):c.61690G>A (p.Val20564Ile)

Genes: TTN (titin; minus strand), TTN-AS1 (TTN antisense RNA 1; plus strand). Cytogenetic location: 2q31.2.
Variant type: single nucleotide variant.
Coding change: c.61690G>A on transcript NM_001267550.2 (MANE Select); coding-DNA position 61690, G replaced by A.
Protein change: p.Val20564Ile; replaces valine 20564 with isoleucine.
Molecular consequence: missense variant.
Genome position (GRCh38, 1-based): chr2:178,590,035, C>T on the plus strand (G>A on the coding strand, the complement: TTN is on the minus strand). VCF-style: chr2-178590035-C-T. GRCh37 (hg19) VCF-style: chr2-179454762-C-T.
Other names: c.56767G>A, p.Val18923Ile (NM_001256850.1); c.34495G>A, p.Val11499Ile (NM_003319.4); c.53986G>A, p.Val17996Ile (NM_133378.4); c.34870G>A, p.Val11624Ile (NM_133432.3); c.35071G>A, p.Val11691Ile (NM_133437.4); short protein forms V11624I, V11499I, V20564I, V11691I, V17996I, V18923I.
Identifiers: ClinVar variation 682487 (VCV000682487.1), dbSNP rs761270633, ClinGen allele CA1992333.

ClinVar aggregate classification (germline): Likely benign (1 of 4 stars; one submission).

Allele frequency attached by ClinVar (database versions not stated): ExAC 0.00001; gnomAD 0.00001; gnomAD exomes 0.00001 and 0.00002.
gnomAD v4.1: 12 of 1,612,982 alleles (0.00074%); highest among the groups gnomAD compares: Non-Finnish European, 0.00076%; no homozygotes.

Submission:

GeneDx
Classification: Likely benign. Last evaluated: 2018-04-25. Review status: criteria provided, single submitter. Criteria: GeneDx Variant Classification (06012015). Collection method: clinical testing. Allele origin: germline. Affected: yes.
Comment: This variant is considered likely benign or benign based on one or more of the following criteria: it is a conservative change, it occurs at a poorly conserved position in the protein, it is predicted to be benign by multiple in silico algorithms, and/or has population frequency not consistent with disease.